The following is an entry in ClinVar:

ClinVar aggregate classification (germline): Uncertain significance (1 of 4 stars; one submission).

Conditions:
Cardiomyopathy (CMYO). Also called: Cardiomyopathies. Identifiers: Orphanet 167848, MedGen C0878544, MONDO:0004994, HP:0001638. Inheritance: Various modes of inheritance.

gnomAD v4.1: 2 of 1,611,758 alleles (0.00012%); highest among the groups gnomAD compares: African/African-American, 0.0027%; no homozygotes.

Submission:

Color Diagnostics, LLC DBA Color Health
Classification: Uncertain significance for Cardiomyopathy. Last evaluated: 2025-06-26. Review status: criteria provided, single submitter. Criteria: ACMG Guidelines, 2015. Collection method: clinical testing. Allele origin: germline.
Comment: This missense variant replaces lysine with glutamine at codon 3659 of the RYR2 protein. Computational prediction is inconclusive regarding the impact of this variant on protein structure and function. To our knowledge, functional studies have not been reported for this variant. This variant has not been reported in individuals affected with RYR2-related disorders in the literature. This variant has been identified in 1/248126 chromosomes in the general population by the Genome Aggregation Database (gnomAD). The available evidence is insufficient to determine the role of this variant in disease conclusively. Therefore, this variant is classified as a Variant of Uncertain Significance.

NM_001035.3(RYR2):c.10975A>C (p.Lys3659Gln)

Gene: RYR2 (ryanodine receptor 2; plus strand). Cytogenetic location: 1q43.
Variant type: single nucleotide variant.
Coding change: c.10975A>C on transcript NM_001035.3 (MANE Select); coding-DNA position 10975, A replaced by C.
Protein change: p.Lys3659Gln; replaces lysine 3659 with glutamine.
Molecular consequence: missense variant.
Genome position (GRCh38, 1-based): chr1:237,732,085, A>C. VCF-style: chr1-237732085-A-C. GRCh37 (hg19) VCF-style: chr1-237895385-A-C.
Other names: short protein forms K3659Q.
Identifiers: ClinVar variation 4757221 (VCV004757221.1).